The following is an entry in ClinVar:

NM_004370.6(COL12A1):c.3767A>T (p.His1256Leu)

Gene: COL12A1 (collagen type XII alpha 1 chain; minus strand). Cytogenetic location: 6q13.
Variant type: single nucleotide variant.
Coding change: c.3767A>T on transcript NM_004370.6 (MANE Select); coding-DNA position 3767, A replaced by T.
Protein change: p.His1256Leu; replaces histidine 1256 with leucine.
Molecular consequence: missense variant.
Genome position (GRCh38, 1-based): chr6:75,152,199, T>A on the plus strand (A>T on the coding strand, the complement: COL12A1 is on the minus strand). VCF-style: chr6-75152199-T-A. GRCh37 (hg19) VCF-style: chr6-75861915-T-A.
Other names: c.275A>T, p.His92Leu (NM_080645.3); short protein forms H1256L, H92L.
Identifiers: ClinVar variation 452137 (VCV000452137.14), dbSNP rs199692759, ClinGen allele CA3893627.

ClinVar aggregate classification (germline): Conflicting classifications of pathogenicity. Review status: criteria provided, conflicting classifications (1 of 4 stars). 2 submissions from 2 submitters: Uncertain significance (1); Likely benign (1). Last evaluated 2025-10-03.

Conditions:
Ullrich congenital muscular dystrophy 2 (UCMD2). Identifiers: Orphanet 75840, MedGen C4225314, MONDO:0014654, OMIM 616470.
Bethlem myopathy 2 (BTHLM2). Identifiers: Orphanet 536516, Orphanet 610, MedGen C4225313, MONDO:0034022, OMIM 616471.

Allele frequency attached by ClinVar (database versions not stated): 1000 Genomes Project 30x 0.00016.
gnomAD v4.1: 15 of 1,613,842 alleles (0.00093%); highest among the groups gnomAD compares: South Asian, 0.012%; no homozygotes.

Submissions (2):

Labcorp Genetics (formerly Invitae), Labcorp
Classification: Likely benign for Bethlem myopathy 2; Ullrich congenital muscular dystrophy 2. Last evaluated: 2025-10-03. Review status: criteria provided, single submitter. Criteria: Invitae Variant Classification Sherloc (09022015). Collection method: clinical testing. Allele origin: germline.

GeneDx
Classification: Uncertain significance. Last evaluated: 2023-12-29. Review status: criteria provided, single submitter. Criteria: GeneDx Variant Classification Process June 2021. Collection method: clinical testing. Allele origin: germline. Affected: yes.
Comment: Has not been previously published as pathogenic or benign to our knowledge; In silico analysis supports that this missense variant has a deleterious effect on protein structure/function